The following is an entry in ClinVar:

ClinVar aggregate classification (germline): Uncertain significance (1 of 4 stars; one submission).

Conditions:
Left ventricular noncompaction 1 (LVNC1). Also called: LEFT VENTRICULAR NONCOMPACTION 1 WITH OR WITHOUT CONGENITAL HEART DEFECTS. Identifiers: Orphanet 54260, MedGen C1858725, MONDO:0011403, OMIM 604169.

Allele frequency attached by ClinVar (database versions not stated): gnomAD exomes below 0.00001; gnomAD 0.00001; TOPMed 0.00001.
gnomAD v4.1: 5 of 1,612,136 alleles (0.00031%); highest among the groups gnomAD compares: Non-Finnish European, 0.00042%; no homozygotes.

Submission:

Labcorp Genetics (formerly Invitae), Labcorp
Classification: Uncertain significance for Left ventricular noncompaction 1. Last evaluated: 2021-09-17. Review status: criteria provided, single submitter. Criteria: Invitae Variant Classification Sherloc (09022015). Collection method: clinical testing. Allele origin: germline.
Comment: In summary, the available evidence is currently insufficient to determine the role of this variant in disease. Therefore, it has been classified as a Variant of Uncertain Significance. Algorithms developed to predict the effect of missense changes on protein structure and function (SIFT, PolyPhen-2, Align-GVGD) all suggest that this variant is likely to be disruptive. This variant has not been reported in the literature in individuals affected with DTNA-related conditions. This variant is not present in population databases (ExAC no frequency). This sequence change replaces arginine with tryptophan at codon 539 of the DTNA protein (p.Arg539Trp). The arginine residue is highly conserved and there is a moderate physicochemical difference between arginine and tryptophan.

NM_001386795.1(DTNA):c.1696C>T (p.Arg566Trp)

Gene: DTNA (dystrobrevin alpha; plus strand). Cytogenetic location: 18q12.1.
Variant type: single nucleotide variant.
Coding change: c.1696C>T on transcript NM_001386795.1 (MANE Select); coding-DNA position 1696, C replaced by T.
Protein change: p.Arg566Trp; replaces arginine 566 with tryptophan.
Molecular consequence: missense variant.
Genome position (GRCh38, 1-based): chr18:34,864,015, C>T. VCF-style: chr18-34864015-C-T. GRCh37 (hg19) VCF-style: chr18-32443979-C-T.
Other names: c.1435C>T, p.Arg479Trp (NM_001198938.2, NM_001198939.2, NM_001198940.2 and 9 more transcripts); c.742C>T, p.Arg248Trp (NM_001198942.1); c.685C>T, p.Arg229Trp (NM_001198943.1); c.571C>T, p.Arg191Trp (NM_001198944.1); c.865C>T, p.Arg289Trp (NM_001198945.2); c.1525C>T, p.Arg509Trp (NM_001386754.1, NM_001386755.1, NM_001386756.1 and 4 more transcripts); c.1522C>T, p.Arg508Trp (NM_001386760.1); c.1444C>T, p.Arg482Trp (NM_001386761.1, NM_032975.4, NM_032979.5); and 7 more; short protein forms R161W, R187W, R191W, R229W, R536W, R479W, R248W, R289W.
Identifiers: ClinVar variation 659419 (VCV000659419.6), dbSNP rs1173408567, ClinGen allele CA402176661.